The following is an entry in ClinVar:

NM_018191.4(RCBTB1):c.56C>T (p.Ala19Val)

Gene: RCBTB1 (RCC1 and BTB domain containing protein 1; minus strand). Cytogenetic location: 13q14.2.
Variant type: single nucleotide variant.
Coding change: c.56C>T on transcript NM_018191.4 (MANE Select); coding-DNA position 56, C replaced by T.
Protein change: p.Ala19Val; replaces alanine 19 with valine.
Molecular consequence: missense variant. On other transcripts: 5 prime UTR variant (1), non-coding transcript variant (2).
Genome position (GRCh38, 1-based): chr13:49,567,224, G>A on the plus strand (C>T on the coding strand, the complement: RCBTB1 is on the minus strand). VCF-style: chr13-49567224-G-A. GRCh37 (hg19) VCF-style: chr13-50141360-G-A.
Other names: c.56C>T, p.Ala19Val (NM_001352500.2, NM_001352501.2, NM_001352502.2 and 3 more transcripts); c.-554C>T (NM_001352506.2); short protein forms A19V.
Identifiers: ClinVar variation 945337 (VCV000945337.10), dbSNP rs749557954, ClinGen allele CA6983031.

ClinVar aggregate classification (germline): Uncertain significance. Review status: criteria provided, multiple submitters, no conflicts (2 of 4 stars). 2 submissions from 2 submitters: Uncertain significance (2). Last evaluated 2025-08-11.

Allele frequency attached by ClinVar (database versions not stated): gnomAD exomes below 0.00001 and 0.00001; ExAC 0.00001.

Submissions (2):

Ambry Genetics
Classification: Uncertain significance. Last evaluated: 2025-08-11. Review status: criteria provided, single submitter. Criteria: Ambry Variant Classification Scheme 2023. Collection method: clinical testing. Allele origin: germline.

Labcorp Genetics (formerly Invitae), Labcorp
Classification: Uncertain significance. Last evaluated: 2024-10-26. Review status: criteria provided, single submitter. Criteria: Invitae Variant Classification Sherloc (09022015). Collection method: clinical testing. Allele origin: germline.
Comment: This sequence change replaces alanine, which is neutral and non-polar, with valine, which is neutral and non-polar, at codon 19 of the RCBTB1 protein (p.Ala19Val). This variant is present in population databases (rs749557954, gnomAD 0.006%). This variant has not been reported in the literature in individuals affected with RCBTB1-related conditions. ClinVar contains an entry for this variant (Variation ID: 945337). An algorithm developed to predict the effect of missense changes on protein structure and function (PolyPhen-2) suggests that this variant is likely to be tolerated. In summary, the available evidence is currently insufficient to determine the role of this variant in disease. Therefore, it has been classified as a Variant of Uncertain Significance.